The following is an entry in ClinVar:

NM_006306.4(SMC1A):c.859_861del (p.Lys287del)

Gene: SMC1A (structural maintenance of chromosomes 1A; minus strand). Cytogenetic location: Xp11.22.
Variant type: Deletion.
Coding change: c.859_861del on transcript NM_006306.4 (MANE Select); coding-DNA positions 859 to 861, 3 bases deleted (AAG; older notation c.859_861delAAG).
Protein change: p.Lys287del; deletes lysine 287.
Molecular consequence: inframe deletion.
Genome position (GRCh38, 1-based): chrX:53,412,247-53,412,249, CTT deleted on the plus strand (AAG on the coding strand, the reverse complement: SMC1A is on the minus strand); deleting any 3 consecutive bases within chrX:53,412,247-53,412,251 gives the same sequence; the c. name uses the placement nearest the transcript's 3' end. VCF-style (leftmost placement, unchanged base first): chrX-53412246-CCTT-C. GRCh37 (hg19) VCF-style: chrX-53439196-CCTT-C.
Other names: c.859_861delAAG (NM_006306.3); c.793_795del, p.Lys265del (NM_001281463.1); short protein forms K265del, K287del.
Identifiers: ClinVar variation 532573 (VCV000532573.7), dbSNP rs1556890626, ClinGen allele CA658799760.

ClinVar aggregate classification (germline): Uncertain significance (1 of 4 stars; one submission).

Conditions:
Congenital muscular hypertrophy-cerebral syndrome (CDLS2). Also called: SMC1A-Related Cornelia de Lange Syndrome; Cornelia de Lange syndrome 2. Identifiers: Orphanet 199, MedGen C1802395, MONDO:0010370, OMIM 300590.

Submission:

Labcorp Genetics (formerly Invitae), Labcorp
Classification: Uncertain significance for Congenital muscular hypertrophy-cerebral syndrome. Last evaluated: 2017-10-22. Review status: criteria provided, single submitter. Criteria: Invitae Variant Classification Sherloc (09022015). Collection method: clinical testing. Allele origin: germline.
Comment: In summary, the available evidence is currently insufficient to determine the role of this variant in disease. Therefore, it has been classified as a Variant of Uncertain Significance. Experimental studies and prediction algorithms are not available for this variant, and the functional significance of the deleted amino acid is currently unknown. This variant has not been reported in the literature in individuals with SMC1A-related disease. This variant is not present in population databases (ExAC no frequency). This variant, c.859_861delAAG, results in the deletion of 1 amino acids of the SMC1A protein (p.Lys287del), but otherwise preserves the integrity of the reading frame.